The following is an entry in ClinVar:

NM_017827.4(SARS2):c.1504G>A (p.Gly502Ser)

Gene: SARS2 (seryl-tRNA synthetase 2, mitochondrial; minus strand). Cytogenetic location: 19q13.2.
Variant type: single nucleotide variant.
Coding change: c.1504G>A on transcript NM_017827.4 (MANE Select); coding-DNA position 1504, G replaced by A.
Protein change: p.Gly502Ser; replaces glycine 502 with serine.
Molecular consequence: missense variant.
Genome position (GRCh38, 1-based): chr19:38,915,659, C>T on the plus strand (G>A on the coding strand, the complement: SARS2 is on the minus strand). VCF-style: chr19-38915659-C-T. GRCh37 (hg19) VCF-style: chr19-39406299-C-T.
Other names: c.1510G>A, p.Gly504Ser (NM_001145901.2); short protein forms G504S, G502S.
Identifiers: ClinVar variation 4700752 (VCV004700752.1).

ClinVar aggregate classification (germline): Uncertain significance (1 of 4 stars; one submission).

gnomAD v4.1: 50 of 1,613,042 alleles (0.0031%); highest among the groups gnomAD compares: Admixed American, 0.005%; no homozygotes.

Submission:

Labcorp Genetics (formerly Invitae), Labcorp
Classification: Uncertain significance. Last evaluated: 2025-08-02. Review status: criteria provided, single submitter. Criteria: Invitae Variant Classification Sherloc (09022015). Collection method: clinical testing. Allele origin: germline.
Comment: This sequence change replaces glycine, which is neutral and non-polar, with serine, which is neutral and polar, at codon 502 of the SARS2 protein (p.Gly502Ser). This variant is present in population databases (rs370749017, gnomAD 0.007%). This variant has not been reported in the literature in individuals affected with SARS2-related conditions. An algorithm developed to predict the effect of missense changes on protein structure and function (PolyPhen-2) suggests that this variant is likely to be disruptive. In summary, the available evidence is currently insufficient to determine the role of this variant in disease. Therefore, it has been classified as a Variant of Uncertain Significance.